The following is an entry in ClinVar:

ClinVar aggregate classification (germline): Uncertain significance (1 of 4 stars; one submission).

Conditions:
Hereditary cancer-predisposing syndrome. Also called: Neoplastic Syndromes, Hereditary; Tumor predisposition; Hereditary Cancer Syndrome; Hereditary neoplastic syndrome. Identifiers: Orphanet 140162, MedGen C0027672, MeSH D009386, MONDO:0015356.

Submission:

Ambry Genetics
Classification: Uncertain significance for Hereditary cancer-predisposing syndrome. Last evaluated: 2022-05-27. Review status: criteria provided, single submitter. Criteria: Ambry Variant Classification Scheme 2023. Collection method: clinical testing. Allele origin: germline.
Comment: The p.E693K variant (also known as c.2077G>A), located in coding exon 12 of the PMS2 gene, results from a G to A substitution at nucleotide position 2077. The glutamic acid at codon 693 is replaced by lysine, an amino acid with similar properties. This amino acid position is conserved. In addition, this alteration is predicted to be tolerated by in silico analysis. Since supporting evidence is limited at this time, the clinical significance of this alteration remains unclear.

NM_000535.7(PMS2):c.2077G>A (p.Glu693Lys)

Gene: PMS2 (PMS1 homolog 2, mismatch repair system component; minus strand). Cytogenetic location: 7p22.1.
Variant type: single nucleotide variant.
Coding change: c.2077G>A on transcript NM_000535.7 (MANE Select); coding-DNA position 2077, G replaced by A.
Protein change: p.Glu693Lys; replaces glutamic acid 693 with lysine.
Molecular consequence: missense variant. On other transcripts: non-coding transcript variant (1).
Genome position (GRCh38, 1-based): chr7:5,982,921, C>T on the plus strand (G>A on the coding strand, the complement: PMS2 is on the minus strand). VCF-style: chr7-5982921-C-T. GRCh37 (hg19) VCF-style: chr7-6022552-C-T.
Other names: c.1672G>A, p.Glu558Lys (NM_001018040.1, NM_001322003.2, NM_001322004.2 and 15 more transcripts); c.1921G>A, p.Glu641Lys (NM_001322006.2, NM_001406870.1); c.1759G>A, p.Glu587Lys (NM_001322007.2, NM_001322008.2, NM_001406876.1 and 1 more transcripts); c.1516G>A, p.Glu506Lys (NM_001322010.2, NM_001406906.1, NM_001406907.1); c.1144G>A, p.Glu382Lys (NM_001322011.2, NM_001322012.2); c.1504G>A, p.Glu502Lys (NM_001322013.2, NM_001406909.1); c.2077G>A, p.Glu693Lys (NM_001322014.2, NM_001406871.1); c.1768G>A, p.Glu590Lys (NM_001322015.2, NM_001406875.1, NM_001406877.1 and 5 more transcripts); and 13 more; short protein forms E292K, E382K, E535K, E538K, E571K, E587K, E637K, E657K.
Identifiers: ClinVar variation 1785480 (VCV001785480.2), dbSNP rs2128703782, ClinGen allele CA366738051.